The following is an entry in ClinVar:

ClinVar aggregate classification (germline): Likely benign. Review status: criteria provided, single submitter (1 of 4 stars). 2 submissions from 2 submitters: Likely benign (1). 1 of the submissions does not count toward it. Last evaluated 2025-07-13.

Conditions:
CREBBP-related disorder. Also called: CREBBP-related condition; CREBBP-related disorders.
Rubinstein-Taybi syndrome (RSTS). Identifiers: Orphanet 783, MedGen C0035934, MONDO:0019188.

Allele frequency attached by ClinVar (database versions not stated): gnomAD exomes below 0.00001; ExAC 0.00007; gnomAD 0.00007; ESP Exome Variant Server 0.00008; TOPMed 0.00011.
gnomAD v4.1: 19 of 1,614,086 alleles (0.0012%); highest among the groups gnomAD compares: African/African-American, 0.023%; no homozygotes.

Submissions (2):

Labcorp Genetics (formerly Invitae), Labcorp
Classification: Likely benign for Rubinstein-Taybi syndrome. Last evaluated: 2025-07-13. Review status: criteria provided, single submitter. Criteria: Invitae Variant Classification Sherloc (09022015). Collection method: clinical testing. Allele origin: germline.

PreventionGenetics, part of Exact Sciences
Classification: Likely benign for CREBBP-related condition. Last evaluated: 2021-07-01. Review status: no assertion criteria provided. Collection method: clinical testing. Allele origin: germline. Not counted in ClinVar's aggregate classification.
Comment: This variant is classified as likely benign based on ACMG/AMP sequence variant interpretation guidelines (Richards et al. 2015 PMID: 25741868, with internal and published modifications).

NM_004380.3(CREBBP):c.5460G>A (p.Lys1820=)

Gene: CREBBP (CREB binding lysine acetyltransferase; minus strand). Cytogenetic location: 16p13.3.
Variant type: single nucleotide variant.
Coding change: c.5460G>A on transcript NM_004380.3 (MANE Select); coding-DNA position 5460, G replaced by A.
Protein change: p.Lys1820=; no amino-acid change (lysine 1820 retained).
Molecular consequence: synonymous variant.
Genome position (GRCh38, 1-based): chr16:3,729,587, C>T on the plus strand (G>A on the coding strand, the complement: CREBBP is on the minus strand). VCF-style: chr16-3729587-C-T. GRCh37 (hg19) VCF-style: chr16-3779588-C-T.
Other names: c.5346G>A, p.Lys1782= (NM_001079846.1).
Identifiers: ClinVar variation 3035764 (VCV003035764.3), dbSNP rs146656224, ClinGen allele CA7869278.